The following is an entry in ClinVar:

ClinVar aggregate classification (germline): Conflicting classifications of pathogenicity. Review status: criteria provided, conflicting classifications (1 of 4 stars). 3 submissions from 3 submitters: Likely pathogenic (2); Uncertain significance (1). Last evaluated 2026-01-08.

Conditions:
Hereditary cancer-predisposing syndrome. Also called: Neoplastic Syndromes, Hereditary; Hereditary neoplastic syndrome; Tumor predisposition; Hereditary Cancer Syndrome. Identifiers: Orphanet 140162, MedGen C0027672, MeSH D009386, MONDO:0015356.

Allele frequency attached by ClinVar (database versions not stated): gnomAD exomes below 0.00001 and 0.00001; ExAC 0.00001.
gnomAD v4.1: 5 of 1,612,900 alleles (0.00031%); highest among the groups gnomAD compares: Non-Finnish European, 0.00042%; no homozygotes.

Submissions (3):

Ambry Genetics
Classification: Uncertain significance for Hereditary cancer-predisposing syndrome. Last evaluated: 2026-01-08. Review status: criteria provided, single submitter. Criteria: Ambry Variant Classification Scheme 2023. Collection method: clinical testing. Allele origin: germline.
Comment: The c.6658-2A>G intronic variant results from an A to G substitution two nucleotides upstream from coding exon 48 in the POLE gene. Alterations that disrupt the canonical splice site are expected to result in aberrant splicing. In silico splice site analysis predicts that this alteration will weaken the native splice acceptor site. A resulting transcript is predicted to be in-frame and is not expected to trigger nonsense-mediated mRNAdecay; although, direct evidence is unavailable. This nucleotide position is highly conserved in available vertebrate species. Based on the available evidence, the clinical significance of this variant remains unclear.

Labcorp Genetics (formerly Invitae), Labcorp
Classification: Likely pathogenic. Last evaluated: 2025-02-12. Review status: criteria provided, single submitter. Criteria: Invitae Variant Classification Sherloc (09022015). Collection method: clinical testing. Allele origin: germline.
Comment: This sequence change affects an acceptor splice site in intron 47 of the POLE gene. RNA analysis indicates that disruption of this splice site induces altered splicing and may result in an absent or altered protein product. This variant is present in population databases (rs751217859, gnomAD 0.002%). This variant has not been reported in the literature in individuals affected with POLE-related conditions. ClinVar contains an entry for this variant (Variation ID: 579764). Studies have shown that disruption of this splice site results in activation of a cryptic splice site, and produces a non-functional protein and/or introduces a premature termination codon (internal data). In summary, the currently available evidence indicates that the variant is pathogenic, but additional data are needed to prove that conclusively. Therefore, this variant has been classified as Likely Pathogenic.

GeneDx
Classification: Likely pathogenic. Last evaluated: 2024-02-05. Review status: criteria provided, single submitter. Criteria: GeneDx Variant Classification Process June 2021. Collection method: clinical testing. Allele origin: germline. Affected: yes.
Comment: Canonical splice site variant predicted to result in an in-frame loss of the adjacent exon in a gene for which loss of function is a known mechanism of disease; Not observed at significant frequency in large population cohorts (gnomAD); Has not been previously published as pathogenic or benign to our knowledge

NM_006231.4(POLE):c.6658-2A>G

Gene: POLE (DNA polymerase epsilon, catalytic subunit; minus strand). Cytogenetic location: 12q24.33.
Variant type: single nucleotide variant.
Coding change: c.6658-2A>G on transcript NM_006231.4 (MANE Select); the canonical splice acceptor site of the intron before coding-DNA position 6658, A replaced by G.
Molecular consequence: splice acceptor variant.
Genome position (GRCh38, 1-based): chr12:132,624,996, T>C on the plus strand (A>G on the coding strand, the complement: POLE is on the minus strand). VCF-style: chr12-132624996-T-C. GRCh37 (hg19) VCF-style: chr12-133201582-T-C.
Identifiers: ClinVar variation 579764 (VCV000579764.16), dbSNP rs751217859, ClinGen allele CA6892020.